The following is an entry in ClinVar:

NM_000215.4(JAK3):c.2451C>T (p.Phe817=)

Gene: JAK3 (Janus kinase 3; minus strand). Cytogenetic location: 19p13.11.
Variant type: single nucleotide variant.
Coding change: c.2451C>T on transcript NM_000215.4 (MANE Select); coding-DNA position 2451, C replaced by T.
Protein change: p.Phe817=; no amino-acid change (phenylalanine 817 retained).
Molecular consequence: synonymous variant.
Genome position (GRCh38, 1-based): chr19:17,832,829, G>A on the plus strand (C>T on the coding strand, the complement: JAK3 is on the minus strand). VCF-style: chr19-17832829-G-A. GRCh37 (hg19) VCF-style: chr19-17943638-G-A.
Identifiers: ClinVar variation 328504 (VCV000328504.57), dbSNP rs201576913, ClinGen allele CA9301600.

ClinVar aggregate classification (germline): Benign/Likely benign. Review status: criteria provided, multiple submitters, no conflicts (2 of 4 stars). 4 submissions from 4 submitters: Benign (2); Likely benign (2). Last evaluated 2026-01-28.

Conditions:
T-B+ severe combined immunodeficiency due to JAK3 deficiency. Also called: SCID, autosomal recessive, T-negative/B-positive type; SCID, T CELL-NEGATIVE, B CELL-POSITIVE, NK CELL-NEGATIVE. Identifiers: Orphanet 35078, MedGen C1833275, MONDO:0010938, OMIM 600802.

Allele frequency attached by ClinVar (database versions not stated): gnomAD 0.00001 and 0.00013; TOPMed 0.00003; gnomAD exomes 0.00022 and 0.00043; ExAC 0.00043; 1000 Genomes Project 0.00120; 1000 Genomes Project 30x 0.00125.
gnomAD v4.1: 329 of 1,614,208 alleles (0.02%); highest among the groups gnomAD compares: South Asian, 0.35%; 4 homozygotes.

Submissions (4):

Labcorp Genetics (formerly Invitae), Labcorp
Classification: Benign for T-B+ severe combined immunodeficiency due to JAK3 deficiency. Last evaluated: 2026-01-28. Review status: criteria provided, single submitter. Criteria: Invitae Variant Classification Sherloc (09022015). Collection method: clinical testing. Allele origin: germline.

Blueprint Genetics
Classification: Likely benign. Last evaluated: 2024-07-11. Review status: criteria provided, single submitter. Criteria: ACMG Guidelines, 2015. Collection method: clinical testing. Allele origin: germline.

Centre for Medical Genetics,  Mumbai
Classification: Benign for SCID, autosomal recessive, T-negative/B-positive type. Last evaluated: 2019-08-14. Review status: criteria provided, single submitter. Criteria: ACMG Guidelines, 2015. Collection method: clinical testing. Allele origin: germline. Inheritance: Autosomal recessive inheritance. Affected: no. Observed: 1 homozygote.

Illumina Laboratory Services, Illumina
Classification: Likely benign for T-B+ severe combined immunodeficiency due to JAK3 deficiency. Last evaluated: 2018-01-13. Review status: criteria provided, single submitter. Criteria: ICSL Variant Classification Criteria 13 December 2019. Collection method: clinical testing. Allele origin: germline.
Comment: This variant was observed in the ICSL laboratory as part of a predisposition screen in an ostensibly healthy population. It had not been previously curated by ICSL or reported in the Human Gene Mutation Database (HGMD: prior to June 1st, 2018), and was therefore a candidate for classification through an automated scoring system. Utilizing variant allele frequency, disease prevalence and penetrance estimates, and inheritance mode, an automated score was calculated to assess if this variant is too frequent to cause the disease. Based on the score and internal cut-off values, a variant classified as likely benign is not then subjected to further curation. The score for this variant resulted in a classification of likely benign for this disease.